The following is an entry in ClinVar:

NM_031937.3(TBC1D10A):c.1232G>A (p.Arg411His)

Gene: TBC1D10A (TBC1 domain family member 10A; minus strand). Cytogenetic location: 22q12.2.
Variant type: single nucleotide variant.
Coding change: c.1232G>A on transcript NM_031937.3 (MANE Select); coding-DNA position 1232, G replaced by A.
Protein change: p.Arg411His; replaces arginine 411 with histidine.
Molecular consequence: missense variant.
Genome position (GRCh38, 1-based): chr22:30,292,670, C>T on the plus strand (G>A on the coding strand, the complement: TBC1D10A is on the minus strand). VCF-style: chr22-30292670-C-T. GRCh37 (hg19) VCF-style: chr22-30688659-C-T.
Other names: c.1253G>A, p.Arg418His (NM_001204240.2); short protein forms R411H, R418H.
Identifiers: ClinVar variation 1226011 (VCV001226011.4), dbSNP rs4823086, ClinGen allele CA10179185.

ClinVar aggregate classification (germline): Benign. Review status: criteria provided, multiple submitters, no conflicts (2 of 4 stars). 2 submissions from 2 submitters: Benign (2). Last evaluated 2019-04-19.

Allele frequency attached by ClinVar (database versions not stated): 1000 Genomes Project 30x 0.04310; 1000 Genomes Project 0.04533; gnomAD 0.08702 and 0.08975; TOPMed 0.08825; ExAC 0.09092; gnomAD exomes 0.09171 and 0.11311; ESP Exome Variant Server 0.09926.
gnomAD v4.1: 177,836 of 1,608,414 alleles (11%); highest among the groups gnomAD compares: Non-Finnish European, 13%; 11,148 homozygotes.

Submissions (2):

GeneDx
Classification: Benign. Last evaluated: 2019-04-19. Review status: criteria provided, single submitter. Criteria: GeneDx Variant Classification Process June 2021. Collection method: clinical testing. Allele origin: germline. Affected: yes.
Comment: This variant is associated with the following publications: (PMID: 30389748)

Breakthrough Genomics
Classification: Benign. Review status: criteria provided, single submitter. Criteria: ACMG Guidelines, 2015. Collection method: not provided. Allele origin: germline. Inheritance: Unknown mechanism. Affected: yes.